The following is an entry in ClinVar:

ClinVar aggregate classification (germline): Conflicting classifications of pathogenicity. Review status: criteria provided, conflicting classifications (1 of 4 stars). 3 submissions from 2 submitters: Uncertain significance (2); Benign (1). Last evaluated 2018-01-12.

Conditions:
Autosomal dominant nonsyndromic hearing loss 6 (LFSNHL). Also called: DEAFNESS, AUTOSOMAL DOMINANT 6; DEAFNESS, AUTOSOMAL DOMINANT 14; DEAFNESS, AUTOSOMAL DOMINANT 38; Autosomal dominant nonsyndromic deafness 6; DIDMOAD (Diabetes Insipidus, Diabetes Mellitus, Optic Atrophy, and Deafness). Identifiers: Orphanet 90635, MedGen C1833021, MONDO:0010963, OMIM 600965.
WFS1-Related Spectrum Disorders.
Wolfram syndrome 1 (WFS1). Identifiers: Orphanet 3463, MedGen C4551693, MONDO:0009101, OMIM 222300.

Submissions (3):

Illumina Laboratory Services, Illumina
Classification: Uncertain significance for Autosomal dominant nonsyndromic hearing loss 6. Last evaluated: 2018-01-12. Review status: criteria provided, single submitter. Criteria: ICSL Variant Classification Criteria 13 December 2019. Collection method: clinical testing. Allele origin: germline.

Illumina Laboratory Services, Illumina
Classification: Uncertain significance for WFS1-Related Spectrum Disorders. Last evaluated: 2018-01-12. Review status: criteria provided, single submitter. Criteria: ICSL Variant Classification Criteria 13 December 2019. Collection method: clinical testing. Allele origin: germline.

Clinical Genomics, Uppaluri K&H Personalized Medicine Clinic
Classification: Benign for Wolfram syndrome 1. Review status: criteria provided, single submitter. Criteria: K & H Uppaluri Personalized Medicine Clinic Variant Classification & Assertion Criteria_Updated V.1. Collection method: research. Allele origin: unknown. Inheritance: Autosomal recessive inheritance.
Comment: Potent mutations in WFS1 gene are associated with Wolfram's syndrome, an autosomal recessive condition, which cause diabetes mellitus, diabetes insipidus, deafness and optic atrophy. However no sufficient evidence is found to ascertain the role of this particular variant rs886059529 in Wolfram's syndrome yet.

Literature cited by the submitters: PubMed 20738327 (cited by Clinical Genomics, Uppaluri K&H Personalized Medicine Clinic); PubMed 33879153 (cited by Clinical Genomics, Uppaluri K&H Personalized Medicine Clinic); PubMed 12955714 (cited by Clinical Genomics, Uppaluri K&H Personalized Medicine Clinic); PubMed 18060660 (cited by Clinical Genomics, Uppaluri K&H Personalized Medicine Clinic); PubMed 20301750 (cited by Clinical Genomics, Uppaluri K&H Personalized Medicine Clinic); PubMed 17603484 (cited by Clinical Genomics, Uppaluri K&H Personalized Medicine Clinic).

NM_006005.3(WFS1):c.1311C>T (p.Gly437=)

Gene: WFS1 (wolframin ER transmembrane glycoprotein; plus strand). Cytogenetic location: 4p16.1.
Variant type: single nucleotide variant.
Coding change: c.1311C>T on transcript NM_006005.3 (MANE Select); coding-DNA position 1311, C replaced by T.
Protein change: p.Gly437=; no amino-acid change (glycine 437 retained).
Molecular consequence: synonymous variant.
Genome position (GRCh38, 1-based): chr4:6,301,106, C>T. VCF-style: chr4-6301106-C-T. GRCh37 (hg19) VCF-style: chr4-6302833-C-T.
Other names: c.1311C>T, p.Gly437= (NM_001145853.1).
Identifiers: ClinVar variation 349317 (VCV000349317.6), dbSNP rs886059529, ClinGen allele CA10619003.